The following is an entry in ClinVar:

NM_207352.4(CYP4V2):c.778A>T (p.Ile260Phe)

Gene: CYP4V2 (cytochrome P450 family 4 subfamily V member 2; plus strand). Cytogenetic location: 4q35.1.
Variant type: single nucleotide variant.
Coding change: c.778A>T on transcript NM_207352.4 (MANE Select); coding-DNA position 778, A replaced by T.
Protein change: p.Ile260Phe; replaces isoleucine 260 with phenylalanine.
Molecular consequence: missense variant.
Genome position (GRCh38, 1-based): chr4:186,199,060, A>T. VCF-style: chr4-186199060-A-T. GRCh37 (hg19) VCF-style: chr4-187120214-A-T.
Other names: short protein forms I260F.
Identifiers: ClinVar variation 1384793 (VCV001384793.6), dbSNP rs1489291710, ClinGen allele CA358948108.

ClinVar aggregate classification (germline): Uncertain significance (1 of 4 stars; one submission).

Allele frequency attached by ClinVar (database versions not stated): TOPMed below 0.00001; gnomAD exomes 0.00001 and 0.00004.
gnomAD v4.1: 61 of 1,613,968 alleles (0.0038%); highest among the groups gnomAD compares: Non-Finnish European, 0.0051%; no homozygotes.

Submission:

Labcorp Genetics (formerly Invitae), Labcorp
Classification: Uncertain significance. Last evaluated: 2022-06-20. Review status: criteria provided, single submitter. Criteria: Invitae Variant Classification Sherloc (09022015). Collection method: clinical testing. Allele origin: germline.
Comment: This variant is present in population databases (no rsID available, gnomAD 0.006%). This sequence change replaces isoleucine, which is neutral and non-polar, with phenylalanine, which is neutral and non-polar, at codon 260 of the CYP4V2 protein (p.Ile260Phe). This variant has not been reported in the literature in individuals affected with CYP4V2-related conditions. Advanced modeling of protein sequence and biophysical properties (such as structural, functional, and spatial information, amino acid conservation, physicochemical variation, residue mobility, and thermodynamic stability) performed at Invitae indicates that this missense variant is not expected to disrupt CYP4V2 protein function. In summary, the available evidence is currently insufficient to determine the role of this variant in disease. Therefore, it has been classified as a Variant of Uncertain Significance.